The following is an entry in ClinVar:

ClinVar aggregate classification (germline): Conflicting classifications of pathogenicity. Review status: criteria provided, conflicting classifications (1 of 4 stars). 3 submissions from 3 submitters: Uncertain significance (2); Likely benign (1). Last evaluated 2026-01-07.

Conditions:
Hereditary cancer-predisposing syndrome. Also called: Neoplastic Syndromes, Hereditary; Hereditary neoplastic syndrome; Hereditary Cancer Syndrome; Tumor predisposition. Identifiers: Orphanet 140162, MedGen C0027672, MeSH D009386, MONDO:0015356.
POLD1-related polyposis and colorectal cancer syndrome (CRCS10). Also called: Colorectal cancer, susceptibility to, 10; Colorectal cancer 10; COLORECTAL CANCER, SUSCEPTIBILITY TO, ON CHROMOSOME 19q. Identifiers: Orphanet 220460, MedGen C2675481, MONDO:0012953, OMIM 612591.
Mandibular hypoplasia-deafness-progeroid syndrome. Also called: Mandibular hypoplasia, deafness, progeroid features, and lipodystrophy syndrome. Identifiers: Orphanet 363649, MedGen C3715192, MONDO:0014157, OMIM 615381.

Allele frequency attached by ClinVar (database versions not stated): TOPMed below 0.00001; gnomAD 0.00001; gnomAD exomes 0.00001.
gnomAD v4.1: 4 of 1,605,260 alleles (0.00025%); highest among the groups gnomAD compares: South Asian, 0.0022%; no homozygotes.

Submissions (3):

Labcorp Genetics (formerly Invitae), Labcorp
Classification: Uncertain significance for POLD1-related polyposis and colorectal cancer syndrome. Last evaluated: 2026-01-07. Review status: criteria provided, single submitter. Criteria: Invitae Variant Classification Sherloc (09022015). Collection method: clinical testing. Allele origin: germline.
Comment: This sequence change affects codon 714 of the POLD1 mRNA. It is a 'silent' change, meaning that it does not change the encoded amino acid sequence of the POLD1 protein. RNA analysis indicates that this variant induces altered splicing and likely results in the loss of 24 amino acid residue(s), but is expected to preserve the integrity of the reading-frame. This variant is present in population databases (no rsID available, gnomAD 0.003%). This variant has not been reported in the literature in individuals affected with POLD1-related conditions. ClinVar contains an entry for this variant (Variation ID: 407992). Studies have shown this variant is associated with an activation of a cryptic splice site in exon 17, but one or more of the resulting mRNA isoform(s) may be naturally occurring (internal data). In summary, the available evidence is currently insufficient to determine the role of this variant in disease. Therefore, it has been classified as a Variant of Uncertain Significance.

Fulgent Genetics
Classification: Uncertain significance for POLD1-related polyposis and colorectal cancer syndrome; Mandibular hypoplasia-deafness-progeroid syndrome. Last evaluated: 2021-10-07. Review status: criteria provided, single submitter. Criteria: ACMG Guidelines, 2015. Collection method: clinical testing. Allele origin: unknown.

Ambry Genetics
Classification: Likely benign for Hereditary cancer-predisposing syndrome. Last evaluated: 2020-07-07. Review status: criteria provided, single submitter. Criteria: Ambry Variant Classification Scheme 2023. Collection method: clinical testing. Allele origin: germline.

NM_002691.4(POLD1):c.2142G>A (p.Leu714=)

Gene: POLD1 (DNA polymerase delta 1, catalytic subunit; plus strand). Cytogenetic location: 19q13.33.
Variant type: single nucleotide variant.
Coding change: c.2142G>A on transcript NM_002691.4 (MANE Select); coding-DNA position 2142, G replaced by A.
Protein change: p.Leu714=; no amino-acid change (leucine 714 retained).
Molecular consequence: synonymous variant. On other transcripts: non-coding transcript variant (1).
Genome position (GRCh38, 1-based): chr19:50,409,654, G>A. VCF-style: chr19-50409654-G-A. GRCh37 (hg19) VCF-style: chr19-50912911-G-A.
Other names: c.2142G>A, p.Leu714= (NM_001256849.1); c.2220G>A, p.Leu740= (NM_001308632.1).
Identifiers: ClinVar variation 407992 (VCV000407992.13), dbSNP rs1060501816, ClinGen allele CA16616154.